The following is an entry in ClinVar:

NM_000264.5(PTCH1):c.1862G>A (p.Arg621Lys)

Genes: PTCH1 (patched 1; minus strand), LOC100507346 (uncharacterized LOC100507346; plus strand). Cytogenetic location: 9q22.32.
Variant type: single nucleotide variant.
Coding change: c.1862G>A on transcript NM_000264.5 (MANE Select); coding-DNA position 1862, G replaced by A.
Protein change: p.Arg621Lys; replaces arginine 621 with lysine.
Molecular consequence: missense variant. On other transcripts: non-coding transcript variant (2).
Genome position (GRCh38, 1-based): chr9:95,469,139, C>T on the plus strand (G>A on the coding strand, the complement: PTCH1 is on the minus strand). VCF-style: chr9-95469139-C-T. GRCh37 (hg19) VCF-style: chr9-98231421-C-T.
Other names: c.1664G>A, p.Arg555Lys (NM_001083602.3); c.1409G>A, p.Arg470Lys (NM_001083607.3, NM_001083604.3, NM_001083605.3 and 1 more transcripts); c.1706G>A, p.Arg569Lys (NM_001354918.2); c.1859G>A, p.Arg620Lys (NM_001083603.3); short protein forms R470K, R555K, R569K, R620K, R621K.
Identifiers: ClinVar variation 820209 (VCV000820209.4), dbSNP rs751536947, ClinGen allele CA374116169.

ClinVar aggregate classification (germline): Uncertain significance (1 of 4 stars; one submission).

Conditions:
Hereditary cancer-predisposing syndrome. Also called: Neoplastic Syndromes, Hereditary; Tumor predisposition; Hereditary Cancer Syndrome; Hereditary neoplastic syndrome. Identifiers: Orphanet 140162, MedGen C0027672, MeSH D009386, MONDO:0015356.

gnomAD v4.1: 1 of 1,614,092 alleles (0.000062%); highest among the groups gnomAD compares: African/African-American, 0.0013%; no homozygotes.

Submission:

Ambry Genetics
Classification: Uncertain significance for Hereditary cancer-predisposing syndrome. Last evaluated: 2019-12-15. Review status: criteria provided, single submitter. Criteria: Ambry Variant Classification Scheme 2023. Collection method: clinical testing. Allele origin: germline.
Comment: The p.R621K variant (also known as c.1862G>A), located in coding exon 14 of the PTCH1 gene, results from a G to A substitution at nucleotide position 1862. The arginine at codon 621 is replaced by lysine, an amino acid with highly similar properties. This amino acid position is highly conserved in available vertebrate species. In addition, the in silico prediction for this alteration is inconclusive. Since supporting evidence is limited at this time, the clinical significance of this alteration remains unclear.